The following is an entry in ClinVar:

ClinVar aggregate classification (germline): Benign/Likely benign. Review status: criteria provided, multiple submitters, no conflicts (2 of 4 stars). 5 submissions from 5 submitters: Benign (1); Likely benign (4). Last evaluated 2026-01-04.

Conditions:
MYH7-related disorder. Also called: MYH7-related disorders; MYH7-related condition; MYH7-related disease.
Cardiovascular phenotype. Identifiers: MedGen CN230736.
Cardiomyopathy (CMYO). Also called: Cardiomyopathies. Identifiers: Orphanet 167848, MedGen C0878544, MONDO:0004994, HP:0001638. Inheritance: Various modes of inheritance.
Hypertrophic cardiomyopathy. Also called: HYPERTROPHIC MYOCARDIOPATHY. Identifiers: Orphanet 217569, MedGen C0007194, MeSH D002312, MONDO:0005045, HP:0001639.

Submissions (5):

PreventionGenetics, part of Exact Sciences
Classification: Likely benign for MYH7-related condition. Last evaluated: 2026-01-04. Review status: criteria provided, single submitter. Criteria: ACMG Guidelines, 2015. Collection method: clinical testing. Allele origin: germline.
Comment: This variant is classified as likely benign based on ACMG/AMP sequence variant interpretation guidelines (Richards et al. 2015 PMID: 25741868, with internal and published modifications).

Labcorp Genetics (formerly Invitae), Labcorp
Classification: Benign for Hypertrophic cardiomyopathy. Last evaluated: 2025-10-21. Review status: criteria provided, single submitter. Criteria: Invitae Variant Classification Sherloc (09022015). Collection method: clinical testing. Allele origin: germline.

Color Diagnostics, LLC DBA Color Health
Classification: Likely benign for Cardiomyopathy. Last evaluated: 2019-03-08. Review status: criteria provided, single submitter. Criteria: ACMG Guidelines, 2015. Collection method: clinical testing. Allele origin: germline.

Ambry Genetics
Classification: Likely benign for Cardiovascular phenotype. Last evaluated: 2019-03-05. Review status: criteria provided, single submitter. Criteria: Ambry Variant Classification Scheme 2023. Collection method: clinical testing. Allele origin: germline.

GeneDx
Classification: Likely benign. Last evaluated: 2016-01-05. Review status: criteria provided, single submitter. Criteria: GeneDx Variant Classification (06012015). Collection method: clinical testing. Allele origin: germline. Affected: yes.
Comment: This variant is considered likely benign or benign based on one or more of the following criteria: it is a conservative change, it occurs at a poorly conserved position in the protein, it is predicted to be benign by multiple in silico algorithms, and/or has population frequency not consistent with disease.

NM_000257.4(MYH7):c.5560-7dup

Gene: MYH7 (myosin heavy chain 7; minus strand). Cytogenetic location: 14q11.2.
Variant type: Duplication.
Coding change: c.5560-7dup on transcript NM_000257.4 (MANE Select); 7 bases into the intron before coding-DNA position 5560, one base duplicated (C; older notation c.5560-7dupC).
Molecular consequence: intron variant.
Genome position (GRCh38, 1-based): chr14:23,414,105, G duplicated on the plus strand (C on the coding strand, the reverse complement: MYH7 is on the minus strand); the first of 5 consecutive G bases (chr14:23,414,105-23,414,109); duplicating any one gives the same sequence. VCF-style (leftmost placement, unchanged base first): chr14-23414104-T-TG. GRCh37 (hg19) VCF-style: chr14-23883313-T-TG.
Other names: c.5560-3dup (LRG_384t1); c.5560-3dupC (NM_000257.2, NM_000257.4, NM_000257.3).
Identifiers: ClinVar variation 237441 (VCV000237441.15), dbSNP rs762612534, ClinGen allele CA7116292.